The following is an entry in ClinVar:

NM_016599.5(MYOZ2):c.198C>A (p.Asp66Glu)

Gene: MYOZ2 (myozenin 2; plus strand). Cytogenetic location: 4q26.
Variant type: single nucleotide variant.
Coding change: c.198C>A on transcript NM_016599.5 (MANE Select); coding-DNA position 198, C replaced by A.
Protein change: p.Asp66Glu; replaces aspartic acid 66 with glutamic acid.
Molecular consequence: missense variant.
Genome position (GRCh38, 1-based): chr4:119,150,993, C>A. VCF-style: chr4-119150993-C-A. GRCh37 (hg19) VCF-style: chr4-120072148-C-A.
Other names: short protein forms D66E.
Identifiers: ClinVar variation 1783925 (VCV001783925.3), dbSNP rs749869990, ClinGen allele CA3058558.
Genomic context (GRCh38, chr4:119,150,993, plus strand): 5'-ATTATCCCATCTCAGTAACCGTGGTGCCAGGCTATTTAAGATGCGTCAAAGAAGATCTGA[C>A]AAATACACATTTGAAAATTTCCAGTATCAATCTAGAGCACAAATAAATGTAGGTATAACT-3'
Protein context (NP_057683.1, residues 56-76): RLFKMRQRRS[Asp66Glu]KYTFENFQYQ

ClinVar aggregate classification (germline): Uncertain significance (1 of 4 stars; one submission).

Conditions:
Cardiovascular phenotype. Identifiers: MedGen CN230736.

Allele frequency attached by ClinVar (database versions not stated): gnomAD exomes 0.00001; ExAC 0.00001.
gnomAD v4.1: 3 of 1,613,440 alleles (0.00019%); highest among the groups gnomAD compares: South Asian, 0.0033%; no homozygotes.

Submission:

Ambry Genetics
Classification: Uncertain significance for Cardiovascular phenotype. Last evaluated: 2025-06-01. Review status: criteria provided, single submitter. Criteria: Ambry Variant Classification Scheme 2023. Collection method: clinical testing. Allele origin: germline.
Comment: The p.D66E variant (also known as c.198C>A), located in coding exon 2 of the MYOZ2 gene, results from a C to A substitution at nucleotide position 198. The aspartic acid at codon 66 is replaced by glutamic acid, an amino acid with highly similar properties. This amino acid position is conserved. In addition, this alteration is predicted to be tolerated by in silico analysis. Since supporting evidence is limited at this time, the clinical significance of this alteration remains unclear.